The following is an entry in ClinVar:

ClinVar aggregate classification (germline): Pathogenic (1 of 4 stars; one submission).

Conditions:
Congenital factor V deficiency. Also called: LABILE FACTOR DEFICIENCY; OWREN PARAHEMOPHILIA; PARAHEMOPHILIA; Hereditary factor V deficiency disease. Identifiers: Orphanet 326, MedGen C0015499, MONDO:0009210, OMIM 227400.

Submission:

Labcorp Genetics (formerly Invitae), Labcorp
Classification: Pathogenic for Congenital factor V deficiency. Last evaluated: 2024-05-17. Review status: criteria provided, single submitter. Criteria: Invitae Variant Classification Sherloc (09022015). Collection method: clinical testing. Allele origin: germline.
Comment: This sequence change creates a premature translational stop signal (p.Ser1304Glnfs*28) in the F5 gene. It is expected to result in an absent or disrupted protein product. Loss-of-function variants in F5 are known to be pathogenic (PMID: 30924984). This variant is not present in population databases (gnomAD no frequency). This variant has not been reported in the literature in individuals affected with F5-related conditions. For these reasons, this variant has been classified as Pathogenic.

Literature cited by the submitters: PubMed 30924984.

NM_000130.5(F5):c.3910_3913del (p.Ser1304fs)

Gene: F5 (coagulation factor V; minus strand). Cytogenetic location: 1q24.2.
Variant type: Microsatellite.
Coding change: c.3910_3913del on transcript NM_000130.5 (MANE Select); coding-DNA positions 3910 to 3913, 4 bases deleted (TCTC; older notation c.3910_3913delTCTC).
Protein change: p.Ser1304fs; shifts the reading frame from serine 1304.
Molecular consequence: frameshift variant.
Genome position (GRCh38, 1-based): chr1:169,541,177-169,541,180, GAGA deleted on the plus strand (TCTC on the coding strand, the reverse complement: F5 is on the minus strand); deleting any 4 consecutive bases within chr1:169,541,177-169,541,185 gives the same sequence; the c. name uses the placement nearest the transcript's 3' end. VCF-style (leftmost placement, unchanged base first): chr1-169541176-GGAGA-G. GRCh37 (hg19) VCF-style: chr1-169510414-GGAGA-G.
Other names: short protein forms S1304fs.
Identifiers: ClinVar variation 3691074 (VCV003691074.2).
Genomic context (GRCh38, chr1:169,541,176, plus strand): 5'-AGGTCTGGAGAAATGGGCATCTGACCGAGGGCTGGGGAAAGGTTTGTCTGACTGAGTTCT[GGAGA>G]GAGAGTCATATGGCTGAGTTCTGGAGAGAGGTTTGTCTGGCTGAAGTCTAGAGAAAGGGT-3'